The following is an entry in ClinVar:

ClinVar aggregate classification (germline): Uncertain significance. Review status: criteria provided, multiple submitters, no conflicts (2 of 4 stars). 3 submissions from 3 submitters: Uncertain significance (2). 1 of the submissions does not count toward it. Last evaluated 2024-02-19.

Conditions:
Joubert syndrome. Also called: CEREBELLOPARENCHYMAL DISORDER IV; JOUBERT-BOLTSHAUSER SYNDROME; Familial aplasia of the vermis. Identifiers: Orphanet 475, MedGen C5979921, MONDO:0018772.
Nephronophthisis. Also called: Juvenile Nephronophthisis. Identifiers: Orphanet 655, MedGen C0687120, MONDO:0019005, HP:0000090.
Meckel-Gruber syndrome. Also called: DYSENCEPHALIA SPLANCHNOCYSTICA; GRUBER SYNDROME; Dysencephalia splachnocystica. Identifiers: Orphanet 564, MedGen C0265215, MONDO:0018921.
Joubert syndrome 5 (JBTS5). Identifiers: Orphanet 2318, MedGen C1857780, MONDO:0012432, OMIM 610188.
Meckel syndrome, type 4 (MKS4). Also called: MECKEL-GRUBER SYNDROME, TYPE 4. Identifiers: Orphanet 564, MedGen C1970161, MONDO:0012626, OMIM 611134.
Senior-Loken syndrome 6 (SLSN6). Identifiers: Orphanet 3156, MedGen C1857779, MONDO:0012433, OMIM 610189.
Bardet-Biedl syndrome 14 (BBS14). Identifiers: Orphanet 110, MedGen C2673874, MONDO:0014442, OMIM 615991.
Leber congenital amaurosis 10 (LCA10). Identifiers: Orphanet 65, MedGen C1857821, MONDO:0012723, OMIM 611755.
CEP290-related disorder. Also called: CEP290-related condition; CEP290-related disorders. Identifiers: MedGen CN239314.

Allele frequency attached by ClinVar (database versions not stated): gnomAD exomes below 0.00001.
gnomAD v4.1: 2 of 1,566,370 alleles (0.00013%); highest among the groups gnomAD compares: African/African-American, 0.0027%; no homozygotes.

Submissions (3):

Fulgent Genetics
Classification: Uncertain significance for Joubert syndrome 5; Senior-Loken syndrome 6; Meckel syndrome, type 4; Leber congenital amaurosis 10; Bardet-Biedl syndrome 14. Last evaluated: 2024-02-19. Review status: criteria provided, single submitter. Criteria: ACMG Guidelines, 2015. Collection method: clinical testing. Allele origin: germline.

Labcorp Genetics (formerly Invitae), Labcorp
Classification: Uncertain significance for Joubert syndrome; Meckel-Gruber syndrome; Nephronophthisis. Last evaluated: 2022-06-04. Review status: criteria provided, single submitter. Criteria: Invitae Variant Classification Sherloc (09022015). Collection method: clinical testing. Allele origin: germline.
Comment: This sequence change replaces glutamic acid, which is acidic and polar, with alanine, which is neutral and non-polar, at codon 1485 of the CEP290 protein (p.Glu1485Ala). This variant is not present in population databases (gnomAD no frequency). This variant has not been reported in the literature in individuals affected with CEP290-related conditions. Algorithms developed to predict the effect of missense changes on protein structure and function are either unavailable or do not agree on the potential impact of this missense change (SIFT: "Tolerated"; PolyPhen-2: "Possibly Damaging"; Align-GVGD: "Class C0"). In summary, the available evidence is currently insufficient to determine the role of this variant in disease. Therefore, it has been classified as a Variant of Uncertain Significance.

PreventionGenetics, part of Exact Sciences
Classification: Uncertain significance for CEP290-related condition. Last evaluated: 2024-07-05. Review status: no assertion criteria provided. Collection method: clinical testing. Allele origin: germline. Not counted in ClinVar's aggregate classification.
Comment: The CEP290 c.4454A>C variant is predicted to result in the amino acid substitution p.Glu1485Ala. To our knowledge, this variant has not been reported in the literature or in a large population database, indicating this variant is rare. At this time, the clinical significance of this variant is uncertain due to the absence of conclusive functional and genetic evidence.

NM_025114.4(CEP290):c.4454A>C (p.Glu1485Ala)

Gene: CEP290 (centrosomal protein 290; minus strand). Cytogenetic location: 12q21.32.
Variant type: single nucleotide variant.
Coding change: c.4454A>C on transcript NM_025114.4 (MANE Select); coding-DNA position 4454, A replaced by C.
Protein change: p.Glu1485Ala; replaces glutamic acid 1485 with alanine.
Molecular consequence: missense variant.
Genome position (GRCh38, 1-based): chr12:88,084,836, T>G on the plus strand (A>C on the coding strand, the complement: CEP290 is on the minus strand). VCF-style: chr12-88084836-T-G. GRCh37 (hg19) VCF-style: chr12-88478613-T-G.
Other names: c.4454A>C (NM_025114.3); short protein forms E1485A.
Identifiers: ClinVar variation 2189730 (VCV002189730.3), dbSNP rs2036458518, ClinGen allele CA385995660.